The following is an entry in ClinVar:

NM_181882.3(PRX):c.1435C>T (p.Pro479Ser)

Gene: PRX (periaxin; minus strand). Cytogenetic location: 19q13.2.
Variant type: single nucleotide variant.
Coding change: c.1435C>T on transcript NM_181882.3 (MANE Select); coding-DNA position 1435, C replaced by T.
Protein change: p.Pro479Ser; replaces proline 479 with serine.
Molecular consequence: missense variant. On other transcripts: 3 prime UTR variant (1).
Genome position (GRCh38, 1-based): chr19:40,396,917, G>A on the plus strand (C>T on the coding strand, the complement: PRX is on the minus strand). VCF-style: chr19-40396917-G-A. GRCh37 (hg19) VCF-style: chr19-40902824-G-A.
Other names: c.1720C>T, p.Pro574Ser (NM_001411127.1); c.*1640C>T (NM_020956.2); short protein forms P479S, P574S.
Identifiers: ClinVar variation 1772601 (VCV001772601.2), dbSNP rs2514806746, ClinGen allele CA405898396.

ClinVar aggregate classification (germline): Uncertain significance (1 of 4 stars; one submission).

Conditions:
Inborn genetic diseases. Identifiers: MedGen C0950123, MeSH D030342.

Submission:

Ambry Genetics
Classification: Uncertain significance for Inborn genetic diseases. Last evaluated: 2020-01-20. Review status: criteria provided, single submitter. Criteria: Ambry Variant Classification Scheme 2023. Collection method: clinical testing. Allele origin: germline.
Comment: The p.P479S variant (also known as c.1435C>T), located in coding exon 4 of the PRX gene, results from a C to T substitution at nucleotide position 1435. The proline at codon 479 is replaced by serine, an amino acid with similar properties. This amino acid position is well conserved in available vertebrate species. In addition, this alteration is predicted to be tolerated by in silico analysis. Since supporting evidence is limited at this time, the clinical significance of this alteration remains unclear.